The following is an entry in ClinVar:

NM_003001.5(SDHC):c.241+5G>A

Gene: SDHC (succinate dehydrogenase complex subunit C; plus strand). Cytogenetic location: 1q23.3.
Variant type: single nucleotide variant.
Coding change: c.241+5G>A on transcript NM_003001.5 (MANE Select); 5 bases into the intron after coding-DNA position 241, G replaced by A.
Molecular consequence: intron variant.
Genome position (GRCh38, 1-based): chr1:161,340,660, G>A. VCF-style: chr1-161340660-G-A. GRCh37 (hg19) VCF-style: chr1-161310450-G-A.
Other names: c.130+5G>A (NM_001407119.1, NM_001407120.1); c.361+5G>A (NM_001407115.1); c.241+5G>A (NM_001035511.3); c.139+5G>A (NM_001035512.3, NM_001278172.3); c.133+11G>A (NM_001407118.1); c.184+5G>A (NM_001407116.1, NM_001407121.1); c.178+11G>A (NM_001407117.1); c.82+5G>A (NM_001035513.3).
Identifiers: ClinVar variation 575659 (VCV000575659.7), dbSNP rs1167538377, ClinGen allele CA891843261.

ClinVar aggregate classification (germline): Uncertain significance (1 of 4 stars; one submission).

Conditions:
Gastrointestinal stromal tumor. Also called: Gastrointestinal stromal tumor, somatic; Gastrointestinal stroma tumor. Identifiers: Orphanet 44890, MedGen C0238198, MeSH D046152, MONDO:0011719, OMIM 606764, HP:0100723.
Pheochromocytoma/paraganglioma syndrome 3. Also called: SDHC-Related Hereditary Paraganglioma-Pheochromocytoma Syndrome (Paragangliomas 3); SDHC-Related Hereditary Paraganglioma-Pheochromocytoma Syndrome; Paragangliomas 3; GLOMUS TUMORS, FAMILIAL, 3. Identifiers: Orphanet 29072, MedGen C1854336, MONDO:0011544, OMIM 605373.

gnomAD v4.1: 3 of 1,612,930 alleles (0.00019%); highest among the groups gnomAD compares: Admixed American, 0.0017%; no homozygotes.

Submission:

Labcorp Genetics (formerly Invitae), Labcorp
Classification: Uncertain significance for Pheochromocytoma/paraganglioma syndrome 3; Gastrointestinal stromal tumor. Last evaluated: 2025-08-07. Review status: criteria provided, single submitter. Criteria: Invitae Variant Classification Sherloc (09022015). Collection method: clinical testing. Allele origin: germline.
Comment: This sequence change falls in intron 4 of the SDHC gene. It does not directly change the encoded amino acid sequence of the SDHC protein. It affects a nucleotide within the consensus splice site. This variant is not present in population databases (gnomAD no frequency). This variant has not been reported in the literature in individuals affected with SDHC-related conditions. ClinVar contains an entry for this variant (Variation ID: 575659). Variants that disrupt the consensus splice site are a relatively common cause of aberrant splicing (PMID: 17576681, 9536098). Algorithms developed to predict the effect of sequence changes on RNA splicing suggest that this variant is not likely to affect RNA splicing. In summary, the available evidence is currently insufficient to determine the role of this variant in disease. Therefore, it has been classified as a Variant of Uncertain Significance.

Literature cited by the submitters: PubMed 17576681; PubMed 9536098.